The following is an entry in ClinVar:

NM_007294.4(BRCA1):c.2934T>A (p.Tyr978Ter)

Gene: BRCA1 (BRCA1 DNA repair associated; minus strand). Cytogenetic location: 17q21.31.
Variant type: single nucleotide variant.
Coding change: c.2934T>A on transcript NM_007294.4 (MANE Select); coding-DNA position 2934, T replaced by A.
Protein change: p.Tyr978Ter; replaces tyrosine 978 with a stop codon.
Molecular consequence: nonsense. On other transcripts: intron variant (137).
Genome position (GRCh38, 1-based): chr17:43,092,597, A>T on the plus strand (T>A on the coding strand, the complement: BRCA1 is on the minus strand). VCF-style: chr17-43092597-A-T. GRCh37 (hg19) VCF-style: chr17-41244614-A-T.
Other names: c.2721T>A, p.Tyr907Ter (NM_001407571.1, NM_001407853.1, NM_001407894.1 and 9 more transcripts); c.2934T>A, p.Tyr978Ter (NM_001407581.1, NM_001407582.1, NM_001407583.1 and 30 more transcripts); c.2931T>A, p.Tyr977Ter (NM_001407587.1, NM_001407590.1, NM_001407591.1 and 22 more transcripts); c.2925T>A, p.Tyr975Ter (NM_001407646.1, NM_001407647.1); c.2811T>A, p.Tyr937Ter (NM_001407648.1, NM_001407664.1, NM_001407665.1 and 19 more transcripts); c.2853T>A, p.Tyr951Ter (NM_001407661.1, NM_001407662.1, NM_001407659.1 and 1 more transcripts); c.2856T>A, p.Tyr952Ter (NM_001407663.1, NM_001407653.1, NM_001407654.1 and 4 more transcripts); c.2808T>A, p.Tyr936Ter (NM_001407685.1, NM_001407686.1, NM_001407687.1 and 11 more transcripts); and 41 more; short protein forms Y978*, Y931*, Y850*, Y889*, Y908*, Y930*, Y936*, Y952*.
Identifiers: ClinVar variation 431234 (VCV000431234.5), dbSNP rs80357115, ClinGen allele CA10596127.

ClinVar aggregate classification (germline): Pathogenic. Review status: reviewed by expert panel (3 of 4 stars). 3 submissions from 3 submitters: Pathogenic (1). 2 of the submissions do not count toward it. Last evaluated 2017-12-15.

Conditions:
Hereditary breast ovarian cancer syndrome. Also called: Hereditary breast and ovarian cancer syndrome (HBOC); BRCA1- and BRCA2-Associated Hereditary Breast and Ovarian Cancer; Hereditary breast and/or ovarian cancer syndrome; Hereditary breast and ovarian cancer syndrome; Hereditary breast and ovarian cancer; Breast and ovarian cancer. Identifiers: Orphanet 145, MedGen C0677776, MeSH D061325, MONDO:0003582. Disease mechanism: loss of function.
Breast-ovarian cancer, familial, susceptibility to, 1 (BROVCA1). Also called: BRCA1 Hereditary Breast and Ovarian Cancer; OVARIAN CANCER, SUSCEPTIBILITY TO. Identifiers: Orphanet 145, MedGen C2676676, MONDO:0011450, OMIM 604370. Disease mechanism: loss of function.

Submissions (3):

Evidence-based Network for the Interpretation of Germline Mutant Alleles (ENIGMA)
Classification: Pathogenic for Breast-ovarian cancer, familial, susceptibility to, 1. Last evaluated: 2017-12-15. Review status: reviewed by expert panel. Criteria: ENIGMA BRCA1/2 Classification Criteria (2017-06-29). Collection method: curation. Allele origin: germline. Study: ENIGMA.
Comment: Variant allele predicted to encode a truncated non-functional protein.

Labcorp Genetics (formerly Invitae), Labcorp
Classification: Pathogenic for Hereditary breast ovarian cancer syndrome. Last evaluated: 2023-10-29. Review status: criteria provided, single submitter. Criteria: Invitae Variant Classification Sherloc (09022015). Collection method: clinical testing. Allele origin: germline. Not counted in ClinVar's aggregate classification.
Comment: This sequence change creates a premature translational stop signal (p.Tyr978*) in the BRCA1 gene. It is expected to result in an absent or disrupted protein product. Loss-of-function variants in BRCA1 are known to be pathogenic (PMID: 20104584). This variant is not present in population databases (gnomAD no frequency). This premature translational stop signal has been observed in individual(s) with a personal or family history of breast or ovarian cancer and/or clinical features of Fanconi anemia (PMID: 29310832, 29335924, 32843487). ClinVar contains an entry for this variant (Variation ID: 431234). For these reasons, this variant has been classified as Pathogenic.

Research Molecular Genetics Laboratory, Women's College Hospital, University of Toronto
Classification: Pathogenic for Hereditary breast ovarian cancer syndrome. Last evaluated: 2014-01-31. Review status: no assertion criteria provided. Collection method: research. Allele origin: germline. Affected: yes. Study: The Canadian Open Genetics Repository (COGR). Not counted in ClinVar's aggregate classification.

Literature cited by the submitters: PubMed 20104584 (cited by Labcorp Genetics (formerly Invitae), Labcorp); PubMed 29310832 (cited by Labcorp Genetics (formerly Invitae), Labcorp); PubMed 29335924 (cited by Labcorp Genetics (formerly Invitae), Labcorp); PubMed 32843487 (cited by Labcorp Genetics (formerly Invitae), Labcorp).